The following is an entry in ClinVar:

ClinVar aggregate classification (germline): Uncertain significance (1 of 4 stars; one submission).

Submission:

GeneDx
Classification: Uncertain significance. Last evaluated: 2024-12-03. Review status: criteria provided, single submitter. Criteria: GeneDx Variant Classification Process June 2021. Collection method: clinical testing. Allele origin: germline. Affected: yes.
Comment: Not observed at significant frequency in large population cohorts (gnomAD); In silico analysis supports that this missense variant has a deleterious effect on protein structure/function; Has not been previously published as pathogenic or benign to our knowledge

NM_001273.5(CHD4):c.3515A>G (p.Tyr1172Cys)

Gene: CHD4 (chromodomain helicase DNA binding protein 4; minus strand). Cytogenetic location: 12p13.31.
Variant type: single nucleotide variant.
Coding change: c.3515A>G on transcript NM_001273.5 (MANE Select); coding-DNA position 3515, A replaced by G.
Protein change: p.Tyr1172Cys; replaces tyrosine 1172 with cysteine.
Molecular consequence: missense variant.
Genome position (GRCh38, 1-based): chr12:6,587,900, T>C on the plus strand (A>G on the coding strand, the complement: CHD4 is on the minus strand). VCF-style: chr12-6587900-T-C. GRCh37 (hg19) VCF-style: chr12-6697066-T-C.
Other names: c.3494A>G, p.Tyr1165Cys (NM_001297553.2); c.3476A>G, p.Tyr1159Cys (NM_001363606.2); short protein forms Y1159C, Y1165C, Y1172C.
Identifiers: ClinVar variation 3901495 (VCV003901495.1).